The following is an entry in ClinVar:

ClinVar aggregate classification (germline): Uncertain significance (1 of 4 stars; one submission).

Conditions:
Brachyolmia-amelogenesis imperfecta syndrome. Also called: PLATYSPONDYLY WITH AMELOGENESIS IMPERFECTA; Tooth agenesis, selective, 6; Dental anomalies and short stature. Identifiers: Orphanet 2899, MedGen C1832594, MONDO:0011018, OMIM 601216. Disease mechanism: loss of function.

Submission:

Labcorp Genetics (formerly Invitae), Labcorp
Classification: Uncertain significance for Brachyolmia-amelogenesis imperfecta syndrome. Last evaluated: 2025-06-03. Review status: criteria provided, single submitter. Criteria: Invitae Variant Classification Sherloc (09022015). Collection method: clinical testing. Allele origin: germline.
Comment: This variant, c.3878_3907dup, results in the insertion of 10 amino acid(s) of the LTBP3 protein (p.Pro1293_Arg1302dup), but otherwise preserves the integrity of the reading frame. This variant is not present in population databases (gnomAD no frequency). This variant has not been reported in the literature in individuals affected with LTBP3-related conditions. ClinVar contains an entry for this variant (Variation ID: 2062241). In summary, the available evidence is currently insufficient to determine the role of this variant in disease. Therefore, it has been classified as a Variant of Uncertain Significance.

NM_001130144.3(LTBP3):c.3878_3907dup (p.Arg1302_Arg1303insProHisGlyAlaCysValProGlnArgArg)

Gene: LTBP3 (latent transforming growth factor beta binding protein 3; minus strand). Cytogenetic location: 11q13.1.
Variant type: Duplication.
Coding change: c.3878_3907dup on transcript NM_001130144.3 (MANE Select); coding-DNA positions 3878 to 3907, 30 bases duplicated (CGCACGGGGCCTGCGTTCCCCAGCGCCGCC).
Protein change: p.Arg1302_Arg1303insProHisGlyAlaCysValProGlnArgArg.
Molecular consequence: inframe insertion.
Genome position (GRCh38, 1-based): chr11:65,539,085-65,539,114, GGCGGCGCTGGGGAACGCAGGCCCCGTGCG duplicated on the plus strand (CGCACGGGGCCTGCGTTCCCCAGCGCCGCC on the coding strand, the reverse complement: LTBP3 is on the minus strand); duplicating any 30 consecutive bases within chr11:65,539,085-65,539,120 gives the same sequence; the c. name uses the placement nearest the transcript's 3' end. VCF-style (leftmost placement, unchanged base first): chr11-65539084-C-CGGCGGCGCTGGGGAACGCAGGCCCCGTGCG. GRCh37 (hg19) VCF-style: chr11-65306555-C-CGGCGGCGCTGGGGAACGCAGGCCCCGTGCG.
Other names: c.3386_3415dup, p.Arg1138_Arg1139insProHisGlyAlaCysValProGlnArgArg (NM_001164266.1); c.3737_3766dup, p.Arg1255_Arg1256insProHisGlyAlaCysValProGlnArgArg (NM_021070.4).
Identifiers: ClinVar variation 2062241 (VCV002062241.4), dbSNP rs2496106880, ClinGen allele CA2580084464.